The following is an entry in ClinVar:

NM_019892.6(INPP5E):c.1388-4G>A

Gene: INPP5E (inositol polyphosphate-5-phosphatase E; minus strand). Cytogenetic location: 9q34.3.
Variant type: single nucleotide variant.
Coding change: c.1388-4G>A on transcript NM_019892.6 (MANE Select); 4 bases into the intron before coding-DNA position 1388, G replaced by A.
Molecular consequence: intron variant.
Genome position (GRCh38, 1-based): chr9:136,431,989, C>T on the plus strand (G>A on the coding strand, the complement: INPP5E is on the minus strand). VCF-style: chr9-136431989-C-T. GRCh37 (hg19) VCF-style: chr9-139326441-C-T.
Other names: c.1385-4G>A (NM_001318502.2); c.1388-4G>A (NM_019892.5).
Identifiers: ClinVar variation 1148817 (VCV001148817.11), dbSNP rs754727297, ClinGen allele CA5336808.

ClinVar aggregate classification (germline): Likely benign. Review status: criteria provided, multiple submitters, no conflicts (2 of 4 stars). 3 submissions from 3 submitters: Likely benign (3). Last evaluated 2026-08-29.

Conditions:
INPP5E-related disorder. Also called: INPP5E-related condition.
Joubert syndrome. Also called: Familial aplasia of the vermis; JOUBERT-BOLTSHAUSER SYNDROME. Identifiers: Orphanet 475, MedGen C5979921, MONDO:0018772.

gnomAD v4.1: 32 of 1,612,472 alleles (0.002%); highest among the groups gnomAD compares: East Asian, 0.0067%; no homozygotes.

Submissions (3):

PreventionGenetics, part of Exact Sciences
Classification: Likely benign for INPP5E-related condition. Last evaluated: 2026-08-29. Review status: criteria provided, single submitter. Criteria: ACMG Guidelines, 2015. Collection method: clinical testing. Allele origin: germline.
Comment: This variant is classified as likely benign based on ACMG/AMP sequence variant interpretation guidelines (Richards et al. 2015 PMID: 25741868, with internal and published modifications).

Labcorp Genetics (formerly Invitae), Labcorp
Classification: Likely benign for Joubert syndrome. Last evaluated: 2025-10-13. Review status: criteria provided, single submitter. Criteria: Invitae Variant Classification Sherloc (09022015). Collection method: clinical testing. Allele origin: germline.

Blueprint Genetics
Classification: Likely benign. Last evaluated: 2021-10-12. Review status: criteria provided, single submitter. Criteria: ACMG Guidelines, 2015. Collection method: clinical testing. Allele origin: germline.